The following is an entry in ClinVar:

NM_000179.3(MSH6):c.267C>T (p.Asp89=)

Gene: MSH6 (mutS homolog 6; plus strand). Cytogenetic location: 2p16.3.
Variant type: single nucleotide variant.
Coding change: c.267C>T on transcript NM_000179.3 (MANE Select); coding-DNA position 267, C replaced by T.
Protein change: p.Asp89=; no amino-acid change (aspartic acid 89 retained).
Molecular consequence: synonymous variant. On other transcripts: 5 prime UTR variant (2), intron variant (1).
Genome position (GRCh38, 1-based): chr2:47,790,933, C>T. VCF-style: chr2-47790933-C-T. GRCh37 (hg19) VCF-style: chr2-48018072-C-T.
Other names: c.-470C>T (NM_001281493.2); c.-636C>T (NM_001281494.2); c.237+7463C>T (NM_001281492.2).
Identifiers: ClinVar variation 378161 (VCV000378161.24), dbSNP rs762818044, ClinGen allele CA16604266.

ClinVar aggregate classification (germline): Benign/Likely benign. Review status: criteria provided, multiple submitters, no conflicts (2 of 4 stars). 7 submissions from 7 submitters: Benign (1); Likely benign (6). Last evaluated 2026-04-15.

Conditions:
Lynch syndrome 5 (LYNCH5). Also called: Hereditary non-polyposis colorectal cancer, type 5; Colorectal cancer, hereditary nonpolyposis, type 5. Identifiers: Orphanet 144, MedGen C1833477, MONDO:0013710, OMIM 614350. Disease mechanism: loss of function.
MSH6-related disorder. Also called: MSH6-related condition; MSH6-Related disorders.
Hereditary nonpolyposis colorectal neoplasms. Identifiers: MedGen C0009405, MeSH D003123.
Hereditary cancer-predisposing syndrome. Also called: Hereditary neoplastic syndrome; Neoplastic Syndromes, Hereditary; Hereditary Cancer Syndrome; Tumor predisposition. Identifiers: Orphanet 140162, MedGen C0027672, MeSH D009386, MONDO:0015356.

gnomAD v4.1: 1 of 1,614,202 alleles (0.000062%); highest among the groups gnomAD compares: Non-Finnish European, 0.000085%; no homozygotes.

Submissions (7):

PreventionGenetics, part of Exact Sciences
Classification: Likely benign for MSH6-related condition. Last evaluated: 2026-04-15. Review status: criteria provided, single submitter. Criteria: ACMG Guidelines, 2015. Collection method: clinical testing. Allele origin: germline.
Comment: This variant is classified as likely benign based on ACMG/AMP sequence variant interpretation guidelines (Richards et al. 2015 PMID: 25741868, with internal and published modifications).

Labcorp Genetics (formerly Invitae), Labcorp
Classification: Likely benign for Hereditary nonpolyposis colorectal neoplasms. Last evaluated: 2025-10-21. Review status: criteria provided, single submitter. Criteria: Invitae Variant Classification Sherloc (09022015). Collection method: clinical testing. Allele origin: germline.

Myriad Genetics, Inc.
Classification: Benign for Lynch syndrome 5. Last evaluated: 2024-12-18. Review status: criteria provided, single submitter. Criteria: Myriad Autosomal Dominant, Autosomal Recessive and X-Linked Classification Criteria (2023). Collection method: clinical testing. Allele origin: unknown.
Comment: This variant is considered benign. This variant is a silent/synonymous amino acid change and it is not expected to impact splicing.

GeneDx
Classification: Likely benign. Last evaluated: 2021-02-26. Review status: criteria provided, single submitter. Criteria: GeneDx Variant Classification Process June 2021. Collection method: clinical testing. Allele origin: germline. Affected: yes.

Women's Health and Genetics/Laboratory Corporation of America, LabCorp
Classification: Likely benign. Last evaluated: 2019-08-29. Review status: criteria provided, single submitter. Criteria: LabCorp Variant Classification Summary - May 2015. Collection method: clinical testing. Allele origin: germline.

Color Diagnostics, LLC DBA Color Health
Classification: Likely benign for Hereditary cancer-predisposing syndrome. Last evaluated: 2019-05-08. Review status: criteria provided, single submitter. Criteria: ACMG Guidelines, 2015. Collection method: clinical testing. Allele origin: germline.

Ambry Genetics
Classification: Likely benign for Hereditary cancer-predisposing syndrome. Last evaluated: 2018-11-01. Review status: criteria provided, single submitter. Criteria: Ambry Variant Classification Scheme 2023. Collection method: clinical testing. Allele origin: germline.